The following is an entry in ClinVar:

ClinVar aggregate classification (germline): Uncertain significance (1 of 4 stars; one submission).

gnomAD v4.1: 1 of 1,544,942 alleles (0.000065%); highest among the groups gnomAD compares: Non-Finnish European, 0.000087%; no homozygotes.

Submission:

Labcorp Genetics (formerly Invitae), Labcorp
Classification: Uncertain significance. Last evaluated: 2024-10-30. Review status: criteria provided, single submitter. Criteria: Invitae Variant Classification Sherloc (09022015). Collection method: clinical testing. Allele origin: germline.
Comment: This sequence change replaces valine, which is neutral and non-polar, with leucine, which is neutral and non-polar, at codon 1521 of the TET2 protein (p.Val1521Leu). This variant is present in population databases (no rsID available, gnomAD 0.002%). This variant has not been reported in the literature in individuals affected with TET2-related conditions. An algorithm developed to predict the effect of missense changes on protein structure and function (PolyPhen-2) suggests that this variant is likely to be tolerated. In summary, the available evidence is currently insufficient to determine the role of this variant in disease. Therefore, it has been classified as a Variant of Uncertain Significance.

NM_001127208.3(TET2):c.4561G>C (p.Val1521Leu)

Genes: TET2 (tet methylcytosine dioxygenase 2; plus strand), TET2-AS1 (TET2 antisense RNA 1; minus strand). Cytogenetic location: 4q24.
Variant type: single nucleotide variant.
Coding change: c.4561G>C on transcript NM_001127208.3 (MANE Select); coding-DNA position 4561, G replaced by C.
Protein change: p.Val1521Leu; replaces valine 1521 with leucine.
Molecular consequence: missense variant.
Genome position (GRCh38, 1-based): chr4:105,275,071, G>C. VCF-style: chr4-105275071-G-C. GRCh37 (hg19) VCF-style: chr4-106196228-G-C.
Other names: short protein forms V1521L.
Identifiers: ClinVar variation 3610046 (VCV003610046.2).
Genomic context (GRCh38, chr4:105,275,071, plus strand): 5'-AGATACCTGTTTCTGTTCTCTCTTACCCTGTCCACAGAACTTTTGCGACTTTCAGGACCA[G>C]TCATGCAGCAGTCCCAGCAGCCCCAGCCTCTACAGAAGCAGCCACCACAGCCCCAGCAGC-3'
Protein context (NP_001120680.1, residues 1511-1531): LAELLRLSGP[Val1521Leu]MQQSQQPQPL